The following is an entry in ClinVar:

NM_000393.5(COL5A2):c.1412G>C (p.Gly471Ala)

Gene: COL5A2 (collagen type V alpha 2 chain; minus strand). Cytogenetic location: 2q32.2.
Variant type: single nucleotide variant.
Coding change: c.1412G>C on transcript NM_000393.5 (MANE Select); coding-DNA position 1412, G replaced by C.
Protein change: p.Gly471Ala; replaces glycine 471 with alanine.
Molecular consequence: missense variant.
Genome position (GRCh38, 1-based): chr2:189,066,772, C>G on the plus strand (G>C on the coding strand, the complement: COL5A2 is on the minus strand). VCF-style: chr2-189066772-C-G. GRCh37 (hg19) VCF-style: chr2-189931498-C-G.
Other names: short protein forms G471A.
Identifiers: ClinVar variation 429323 (VCV000429323.28), dbSNP rs779614415, ClinGen allele CA2022712.

ClinVar aggregate classification (germline): Conflicting classifications of pathogenicity. Review status: criteria provided, conflicting classifications (1 of 4 stars). 8 submissions from 8 submitters: Uncertain significance (7); Likely benign (1). Last evaluated 2026-02-07.

Conditions:
Ehlers-Danlos syndrome, classic type, 1 (EDSCL1). Also called: Ehlers-Danlos Syndrome, Classic Type, COL5A1-Related; EHLERS-DANLOS SYNDROME, GRAVIS TYPE; EHLERS-DANLOS SYNDROME, SEVERE CLASSIC TYPE; EDS I; Ehlers-Danlos syndrome, type 1. Identifiers: MedGen C0268335, MONDO:0019567, OMIM 130000.
Ehlers-Danlos syndrome, classic type, 2 (EDSCL2). Also called: Ehlers-Danlos Syndrome, Classic Type, COL5A2-Related; Ehlers-Danlos syndrome type 2 (formerly); Ehlers-Danlos syndrome, type 2. Identifiers: Orphanet 287, Orphanet 90318, MedGen C0268336, MONDO:0019568, OMIM 130010.
COL5A2-related disorder. Also called: COL5A2-related condition.
Chromosome 15q11.2 deletion syndrome. Identifiers: Orphanet 261183, MedGen C3180937, MONDO:0014294, OMIM 615656.
Familial thoracic aortic aneurysm and aortic dissection (TAAD). Also called: Thoracic aortic aneurysms and dissections. Identifiers: Orphanet 91387, MedGen C4707243, MONDO:0019625.

Allele frequency attached by ClinVar (database versions not stated): gnomAD 0.00002; gnomAD exomes 0.00003 and 0.00004; TOPMed 0.00003; ExAC 0.00005.
gnomAD v4.1: 62 of 1,612,950 alleles (0.0038%); highest among the groups gnomAD compares: Non-Finnish European, 0.0052%; no homozygotes.

Submissions (8):

PreventionGenetics, part of Exact Sciences
Classification: Uncertain significance for COL5A2-related condition. Last evaluated: 2026-02-07. Review status: criteria provided, single submitter. Criteria: ACMG Guidelines, 2015. Collection method: clinical testing. Allele origin: germline.
Comment: The COL5A2 c.1412G>C variant is predicted to result in the amino acid substitution p.Gly471Ala. To our knowledge, this variant has not been reported in the literature. This variant is reported in 0.0071% of alleles in individuals of European (Non-Finnish) descent in gnomAD. At this time, the clinical significance of this variant is uncertain due to the absence of conclusive functional and genetic evidence.

Labcorp Genetics (formerly Invitae), Labcorp
Classification: Uncertain significance for Ehlers-Danlos syndrome, classic type, 1. Last evaluated: 2025-08-04. Review status: criteria provided, single submitter. Criteria: Invitae Variant Classification Sherloc (09022015). Collection method: clinical testing. Allele origin: germline.
Comment: This sequence change replaces glycine, which is neutral and non-polar, with alanine, which is neutral and non-polar, at codon 471 of the COL5A2 protein (p.Gly471Ala). This variant is present in population databases (rs779614415, gnomAD 0.007%). This variant has not been reported in the literature in individuals affected with COL5A2-related conditions. ClinVar contains an entry for this variant (Variation ID: 429323). Invitae Evidence Modeling of protein sequence and biophysical properties (such as structural, functional, and spatial information, amino acid conservation, physicochemical variation, residue mobility, and thermodynamic stability) indicates that this missense variant is not expected to disrupt COL5A2 protein function with a negative predictive value of 80%. In summary, the available evidence is currently insufficient to determine the role of this variant in disease. Therefore, it has been classified as a Variant of Uncertain Significance.

Women's Health and Genetics/Laboratory Corporation of America, LabCorp
Classification: Uncertain significance. Last evaluated: 2025-04-16. Review status: criteria provided, single submitter. Criteria: LabCorp Variant Classification Summary - May 2015. Collection method: clinical testing. Allele origin: germline.
Comment: Variant summary: COL5A2 c.1412G>C (p.Gly471Ala) results in a non-conservative amino acid change in the encoded protein sequence. Four of five in-silico tools predict a damaging effect of the variant on protein function. The variant allele was found at a frequency of 3.2e-05 in 250860 control chromosomes, predominantly at a frequency of 7.1e-05 within the Non-Finnish European subpopulation in the gnomAD database. The available data on variant occurrences in the general population are insufficient to allow any conclusion about variant significance. To our knowledge, no occurrence of c.1412G>C in individuals affected with Ehlers-Danlos Syndrome and no experimental evidence demonstrating its impact on protein function have been reported. ClinVar contains an entry for this variant (Variation ID: 429323). Based on the evidence outlined above, the variant was classified as uncertain significance.

GeneDx
Classification: Uncertain significance. Last evaluated: 2024-09-25. Review status: criteria provided, single submitter. Criteria: GeneDx Variant Classification Process June 2021. Collection method: clinical testing. Allele origin: germline. Affected: yes.
Comment: Has not been previously published as pathogenic or benign to our knowledge; In silico analysis supports that this missense variant has a deleterious effect on protein structure/function; This variant is associated with the following publications: (PMID: 22696272)

Blueprint Genetics
Classification: Likely benign. Last evaluated: 2024-07-02. Review status: criteria provided, single submitter. Criteria: ACMG Guidelines, 2015. Collection method: clinical testing. Allele origin: germline.

Ambry Genetics
Classification: Uncertain significance for Familial thoracic aortic aneurysm and aortic dissection. Last evaluated: 2024-01-16. Review status: criteria provided, single submitter. Criteria: Ambry Variant Classification Scheme 2023. Collection method: clinical testing. Allele origin: germline.
Comment: The p.G471A variant (also known as c.1412G>C), located in coding exon 22 of the COL5A2 gene, results from a G to C substitution at nucleotide position 1412. The glycine at codon 471 is replaced by alanine, an amino acid with similar properties. Internal structural analysis indicates that this alteration disrupts the characteristic G-X-Y motif of the triple helical domain in the COL5A2 protein and inserts a bulky side chain into a sterically-constrained region (Bella J et al. Science. 1994;266:75-81; Hohenester E et al. Proc. Natl. Acad. Sci.U.S.A. 2008;105:18273-7; Ambry internal data). Glycine substitutions in the triple helical domain of COL5A2 have been reported in association with classic Ehlers-Danlos syndrome (cEDS), but the number of affected individuals is limited and several other COL5A2 glycine substitutions in the triple helical domain (e.g., p.G951E and p.G831A) are too common for disease in population databases (Symoens S et al. Hum. Mutat., 2012 Oct;33:1485-93; Ritelli M et al. Orphanet J Rare Dis. 2013 Apr;8:58). This amino acid position is highly conserved in available vertebrate species. In addition, this alteration is predicted to be deleterious by in silico analysis. Since supporting evidence is limited at this time, the clinical significance of this alteration remains unclear.

Victorian Clinical Genetics Services, Murdoch Childrens Research Institute
Classification: Uncertain significance for Ehlers-Danlos syndrome, classic type, 2. Last evaluated: 2022-06-24. Review status: criteria provided, single submitter. Criteria: ACMG Guidelines, 2015. Collection method: clinical testing. Allele origin: germline. Inheritance: Autosomal dominant inheritance. Affected: yes.
Comment: Based on the classification scheme VCGS_Germline_v1.3.4, this variant is classified as VUS-3A. Following criteria are met: 0104 - Dominant negative is a likely mechanism of disease in this gene and is associated with classic type Ehlers-Danlos syndrome 2 (MIM#130010) (GeneReviews; PMIDs: 23587214, 20847697). (I) 0107 - This gene is associated with autosomal dominant disease. (I) 0115 - Variants in this gene are known to have variable expressivity. Intrafamilial and interfamilial phenotypic variability have been reported (GeneReviews, PMID: 20847697). (I) 0200 - Variant is predicted to result in a missense amino acid change from glycine to alanine. (I) 0251 - This variant is heterozygous. (I) 0302 - Variant is present in gnomAD (v2) <0.001 for a dominant condition (8 heterozygotes, 0 homozygotes). (SP) 0502 - Missense variant with conflicting in silico predictions and uninformative conservation. (I) 0601 - Variant affects the glycine residue of the Gly-X-Y repeat within the triple helical domain (PMID: 26608033). (SP) 0705 - No comparable missense variants have previous evidence for pathogenicity. (I) 0809 - Previous evidence of pathogenicity for this variant is inconclusive. This variant has been classified as a VUS by two clinical diagnostic laboratories (ClinVar). (I) 0905 - No published segregation evidence has been identified for this variant. (I) 1007 - No published functional evidence has been identified for this variant. (I) 1208 - Inheritance information for this variant is not currently available in this individual. (I) Legend: (SP) - Supporting pathogenic, (I) - Information, (SB) - Supporting benign

Revvity Omics, Revvity
Classification: Uncertain significance for Ehlers-Danlos syndrome, classic type, 2. Last evaluated: 2019-03-27. Review status: criteria provided, single submitter. Criteria: ACMG Guidelines, 2015. Collection method: clinical testing. Allele origin: germline.

Literature cited by the submitters: PubMed 20847697 (cited by Victorian Clinical Genetics Services, Murdoch Childrens Research Institute); PubMed 23587214 (cited by Victorian Clinical Genetics Services, Murdoch Childrens Research Institute); PubMed 26608033 (cited by Victorian Clinical Genetics Services, Murdoch Childrens Research Institute).